The following is an entry in ClinVar:

GRCh38/hg38 20p13(chr20:89939-1028206)x3

Genes: ANGPT4 (angiopoietin 4; minus strand), C20orf96 (chromosome 20 open reading frame 96; minus strand), CSNK2A1 (casein kinase 2 alpha 1; minus strand), DEFB125 (defensin beta 125; plus strand), DEFB126 (defensin beta 126; plus strand) and 62 more. Cytogenetic location: 20p13.
Variant type: copy number gain.
Change: copy number 3 (three copies instead of two) of chr20:89,939-1,028,206 (938.3 kb, GRCh38 coordinates, 1-based), cytogenetic band 20p13.
Identifiers: ClinVar variation 57307 (VCV000057307.1).

ClinVar aggregate classification (germline): Pathogenic (1 of 4 stars; one submission).

Submission:

ISCA site 4
Classification: Pathogenic. Last evaluated: 2011-08-12. Review status: criteria provided, single submitter. Criteria: Kaminsky et al. (Genet Med. 2011). Collection method: clinical testing. Allele origin: unknown. Affected: yes. Observed: 1 variant allele.
Comment: Copy number variation identified through the course of routine clinical cytogenomic testing in postnatal populations. Clinical assertions have been curated as described in Kaminsky et al. 2011.